The following is an entry in ClinVar:

NM_014989.7(RIMS1):c.1547C>T (p.Pro516Leu)

Gene: RIMS1 (regulating synaptic membrane exocytosis 1; plus strand). Cytogenetic location: 6q13.
Variant type: single nucleotide variant.
Coding change: c.1547C>T on transcript NM_014989.7 (MANE Select); coding-DNA position 1547, C replaced by T.
Protein change: p.Pro516Leu; replaces proline 516 with leucine.
Molecular consequence: missense variant.
Genome position (GRCh38, 1-based): chr6:72,183,018, C>T. VCF-style: chr6-72183018-C-T. GRCh37 (hg19) VCF-style: chr6-72892721-C-T.
Other names: short protein forms P516L.
Identifiers: ClinVar variation 2965376 (VCV002965376.4), dbSNP rs751807902, ClinGen allele CA3885722.
Genomic context (GRCh38, chr6:72,183,018, plus strand): 5'-TGCGGAACGACTCTTTGAGCTCAGACCAGTCCGAGTCGGTGCGGCCGTCCCCGCCCAAGC[C>T]GCACCGGTCCAAGAGAGGCGGCAAGAAGCGGCAGATGTCGGTGAGCAGCTCTGAGGAGGA-3'
Protein context (NP_055804.2, residues 506-526): SESVRPSPPK[Pro516Leu]HRSKRGGKKR

ClinVar aggregate classification (germline): Uncertain significance. Review status: criteria provided, multiple submitters, no conflicts (2 of 4 stars). 2 submissions from 2 submitters: Uncertain significance (2). Last evaluated 2024-07-06.

Allele frequency attached by ClinVar (database versions not stated): gnomAD 0.00001; TOPMed 0.00001.
gnomAD v4.1: 23 of 1,600,482 alleles (0.0014%); highest among the groups gnomAD compares: Middle Eastern, 0.033%; no homozygotes.

Submissions (2):

Blueprint Genetics
Classification: Uncertain significance. Last evaluated: 2024-07-06. Review status: criteria provided, single submitter. Criteria: ACMG Guidelines, 2015. Collection method: clinical testing. Allele origin: germline.

Labcorp Genetics (formerly Invitae), Labcorp
Classification: Uncertain significance. Last evaluated: 2023-07-28. Review status: criteria provided, single submitter. Criteria: Invitae Variant Classification Sherloc (09022015). Collection method: clinical testing. Allele origin: germline.
Comment: In summary, the available evidence is currently insufficient to determine the role of this variant in disease. Therefore, it has been classified as a Variant of Uncertain Significance. An algorithm developed to predict the effect of missense changes on protein structure and function (PolyPhen-2) suggests that this variant is likely to be tolerated. This variant has not been reported in the literature in individuals affected with RIMS1-related conditions. The frequency data for this variant in the population databases is considered unreliable, as metrics indicate poor data quality at this position in the gnomAD database. This sequence change replaces proline, which is neutral and non-polar, with leucine, which is neutral and non-polar, at codon 516 of the RIMS1 protein (p.Pro516Leu).